The following is an entry in ClinVar:

NM_001079872.2(CUL4B):c.1443+230C>T

Gene: CUL4B (cullin 4B; minus strand). Cytogenetic location: Xq24.
Variant type: single nucleotide variant.
Coding change: c.1443+230C>T on transcript NM_001079872.2 (MANE Select); 230 bases into the intron after coding-DNA position 1443, C replaced by T.
Molecular consequence: intron variant.
Genome position (GRCh38, 1-based): chrX:120,541,372, G>A on the plus strand (C>T on the coding strand, the complement: CUL4B is on the minus strand). VCF-style: chrX-120541372-G-A. GRCh37 (hg19) VCF-style: chrX-119675227-G-A.
Other names: c.1497+230C>T (NM_003588.4); c.1458+230C>T (NM_001330624.2); c.909+230C>T (NM_001369145.1).
Identifiers: ClinVar variation 4882342 (VCV004882342.2).

ClinVar aggregate classification (germline): Uncertain significance (1 of 4 stars; one submission).

Conditions:
X-linked intellectual disability Cabezas type (MRXSC). Also called: CABEZAS SYNDROME; MENTAL RETARDATION, X-LINKED, SYNDROMIC 15; Intellectual developmental disorder, X-linked syndromic, Cabezas type. Identifiers: Orphanet 85289, Orphanet 85293, MedGen C1845861, MONDO:0010306, OMIM 300354.

Submission:

Dasa
Classification: Uncertain significance for X-linked intellectual disability Cabezas type. Last evaluated: 2025-10-15. Review status: criteria provided, single submitter. Criteria: DASA Assertion Criteria. Collection method: clinical testing. Allele origin: germline.
Comment: NM_001079872.2(CUL4B):c.1443+230C>T is an intronic variant. This variant is absent from population databases. The currently available literature and clinical evidence are not sufficient to establish a definitive association between this variant and the reported condition. Therefore, this variant is classified as a variant of uncertain significance.